The following is an entry in ClinVar:

NM_001003699.4(RREB1):c.132G>A (p.Ser44=)

Gene: RREB1 (ras responsive element binding protein 1; plus strand). Cytogenetic location: 6p24.3.
Variant type: single nucleotide variant.
Coding change: c.132G>A on transcript NM_001003699.4 (MANE Select); coding-DNA position 132, G replaced by A.
Protein change: p.Ser44=; no amino-acid change (serine 44 retained).
Molecular consequence: synonymous variant.
Genome position (GRCh38, 1-based): chr6:7,182,043, G>A. VCF-style: chr6-7182043-G-A. GRCh37 (hg19) VCF-style: chr6-7182276-G-A.
Other names: c.132G>A, p.Ser44= (NM_001003698.4, NM_001003700.2, NM_001168344.2).
Identifiers: ClinVar variation 750406 (VCV000750406.28), dbSNP rs200955755, ClinGen allele CA3625154.

ClinVar aggregate classification (germline): Benign/Likely benign. Review status: criteria provided, multiple submitters, no conflicts (2 of 4 stars). 2 submissions from 2 submitters: Benign (1); Likely benign (1). Last evaluated 2022-09-01.

Allele frequency attached by ClinVar (database versions not stated): gnomAD 0.00001; TOPMed 0.00002; 1000 Genomes Project 30x 0.00016; gnomAD exomes 0.00023.
gnomAD v4.1: 343 of 1,613,978 alleles (0.021%); highest among the groups gnomAD compares: South Asian, 0.34%; 2 homozygotes.

Submissions (2):

CeGaT Center for Human Genetics Tuebingen
Classification: Likely benign. Last evaluated: 2022-09-01. Review status: criteria provided, single submitter. Criteria: CeGaT Center For Human Genetics Tuebingen Variant Classification Criteria Version 2. Collection method: clinical testing. Allele origin: germline. Affected: yes. Observed: 1 variant allele.
Comment: RREB1: BP4, BP7

Labcorp Genetics (formerly Invitae), Labcorp
Classification: Benign. Last evaluated: 2019-12-31. Review status: criteria provided, single submitter. Criteria: Invitae Variant Classification Sherloc (09022015). Collection method: clinical testing. Allele origin: germline.